The following is an entry in ClinVar:

NM_003482.4(KMT2D):c.2264_2265delinsTT (p.Arg755Leu)

Gene: KMT2D (lysine methyltransferase 2D; minus strand). Cytogenetic location: 12q13.12.
Variant type: Indel.
Coding change: c.2264_2265delinsTT on transcript NM_003482.4 (MANE Select); coding-DNA positions 2264 to 2265, GG replaced by TT.
Protein change: p.Arg755Leu; replaces arginine 755 with leucine.
Molecular consequence: missense variant.
Genome position (GRCh38, 1-based): chr12:49,051,418-49,051,419, CC replaced by AA on the plus strand (GG replaced by TT on the coding strand, the reverse complement: KMT2D is on the minus strand). VCF-style: chr12-49051418-CC-AA. GRCh37 (hg19) VCF-style: chr12-49445201-CC-AA.
Other names: short protein forms R755L.
Identifiers: ClinVar variation 1409200 (VCV001409200.8), dbSNP rs2120669827, ClinGen allele CA2573148683.

ClinVar aggregate classification (germline): Uncertain significance (1 of 4 stars; one submission).

Conditions:
Kabuki syndrome. Also called: Kabuki make-up syndrome; NIIKAWA-KUROKI SYNDROME. Identifiers: Orphanet 2322, MedGen C0796004, MONDO:0016512.

Submission:

Labcorp Genetics (formerly Invitae), Labcorp
Classification: Uncertain significance for Kabuki syndrome. Last evaluated: 2026-01-20. Review status: criteria provided, single submitter. Criteria: Invitae Variant Classification Sherloc (09022015). Collection method: clinical testing. Allele origin: germline.
Comment: This sequence change replaces arginine, which is basic and polar, with leucine, which is neutral and non-polar, at codon 755 of the KMT2D protein (p.Arg755Leu). Information on the frequency of this variant in the gnomAD database is not available, as this variant may be reported differently in the database. This variant has not been reported in the literature in individuals affected with KMT2D-related conditions. This missense change has been observed in at least one individual who was not affected with KMT2D-related conditions (internal data). ClinVar contains an entry for this variant (Variation ID: 1409200). Experimental studies and prediction algorithms are not available or were not evaluated, and the functional significance of this variant is currently unknown. In summary, the available evidence is currently insufficient to determine the role of this variant in disease. Therefore, it has been classified as a Variant of Uncertain Significance.